The following is an entry in ClinVar:

NM_002397.5(MEF2C):c.709C>T (p.Gln237Ter)

Gene: MEF2C (myocyte enhancer factor 2C; minus strand). Cytogenetic location: 5q14.3.
Variant type: single nucleotide variant.
Coding change: c.709C>T on transcript NM_002397.5 (MANE Select); coding-DNA position 709, C replaced by T.
Protein change: p.Gln237Ter; replaces glutamine 237 with a stop codon.
Molecular consequence: nonsense.
Genome position (GRCh38, 1-based): chr5:88,731,830, G>A on the plus strand (C>T on the coding strand, the complement: MEF2C is on the minus strand). VCF-style: chr5-88731830-G-A. GRCh37 (hg19) VCF-style: chr5-88027647-G-A.
Other names: c.703C>T, p.Gln235Ter (NM_001131005.2, NM_001364343.2, NM_001364352.2); c.763C>T, p.Gln255Ter (NM_001193347.1, NM_001364338.2); c.565C>T, p.Gln189Ter (NM_001193348.1, NM_001193349.3, NM_001364332.2 and 3 more transcripts); c.709C>T, p.Gln237Ter (NM_001193350.2, NM_001308002.3, NM_001363581.2 and 18 more transcripts); c.331C>T, p.Gln111Ter (NM_001364353.2, NM_001364356.2); c.283C>T, p.Gln95Ter (NM_001364357.2); short protein forms Q235*, Q237*, Q255*, Q95*, Q111*, Q189*.
Identifiers: ClinVar variation 620546 (VCV000620546.1), dbSNP rs1561698356, ClinGen allele CA360423372.

ClinVar aggregate classification (germline): Pathogenic (1 of 4 stars; one submission).

Submission:

GeneDx
Classification: Pathogenic. Last evaluated: 2019-01-24. Review status: criteria provided, single submitter. Criteria: GeneDx Variant Classification (06012015). Collection method: clinical testing. Allele origin: germline. Affected: yes.
Comment: The Q237X variant in the MEF2C gene has not been reported previously as a pathogenic variant nor as a benign variant, to our knowledge. This variant is predicted to cause loss of normal protein function either through protein truncation or nonsense-mediated mRNA decay. The Q237X variant is not observed in large population cohorts (Lek et al., 2016). We interpret Q237X as a pathogenic variant.